The following is an entry in ClinVar:

NM_001323289.2(CDKL5):c.855A>T (p.Arg285Ser)

Gene: CDKL5 (cyclin dependent kinase like 5; plus strand). Cytogenetic location: Xp22.13.
Variant type: single nucleotide variant.
Coding change: c.855A>T on transcript NM_001323289.2 (MANE Select); coding-DNA position 855, A replaced by T.
Protein change: p.Arg285Ser; replaces arginine 285 with serine.
Molecular consequence: missense variant.
Genome position (GRCh38, 1-based): chrX:18,598,491, A>T. VCF-style: chrX-18598491-A-T. GRCh37 (hg19) VCF-style: chrX-18616611-A-T.
Other names: c.855A>T, p.Arg285Ser (NM_001037343.2, NM_003159.3); short protein forms R285S.
Identifiers: ClinVar variation 1310051 (VCV001310051.2), dbSNP rs267608532, ClinGen allele CA412355776.
Genomic context (GRCh38, chrX:18,598,491, plus strand): 5'-TTCTTAACGATCCTAAATTTTATTTCCTAAGAATTTACTGAAGTTGGACCCAGCTGACAG[A>T]TACTTGACAGAACAGTGTTTGAATCACCCTACATTTCAAACCCAGAGACTTCTGGATCGT-3'
Protein context (NP_001310218.1, residues 275-295): KNLLKLDPAD[Arg285Ser]YLTEQCLNHP

ClinVar aggregate classification (germline): Uncertain significance (1 of 4 stars; one submission).

Submission:

GeneDx
Classification: Uncertain significance. Last evaluated: 2019-10-30. Review status: criteria provided, single submitter. Criteria: GeneDx Variant Classification Process June 2021. Collection method: clinical testing. Allele origin: germline. Affected: yes.
Comment: Same amino acid substitution caused by a different nucleotide change (c.855 A>C) has been reported in the published literature (Moseley et al., 2012); Different missense changes at this residue (R285K and R285G) have been reported in ClinVar and in the published literature (ClinVar SCV000571696.4; Landrum et al., 2016; Hector et al., 2017); In silico analysis, which includes protein predictors and evolutionary conservation, supports a deleterious effect; Not observed in large population cohorts (Lek et al., 2016); Has not been previously published as pathogenic or benign to our knowledge